The following is an entry in ClinVar:

NM_006306.4(SMC1A):c.823C>T (p.Arg275Trp)

Gene: SMC1A (structural maintenance of chromosomes 1A; minus strand). Cytogenetic location: Xp11.22.
Variant type: single nucleotide variant.
Coding change: c.823C>T on transcript NM_006306.4 (MANE Select); coding-DNA position 823, C replaced by T.
Protein change: p.Arg275Trp; replaces arginine 275 with tryptophan.
Molecular consequence: missense variant.
Genome position (GRCh38, 1-based): chrX:53,412,931, G>A on the plus strand (C>T on the coding strand, the complement: SMC1A is on the minus strand). VCF-style: chrX-53412931-G-A. GRCh37 (hg19) VCF-style: chrX-53439881-G-A.
Other names: c.757C>T, p.Arg253Trp (NM_001281463.1); short protein forms R253W, R275W.
Identifiers: ClinVar variation 1488263 (VCV001488263.7), dbSNP rs781812690, ClinGen allele CA10420635.

ClinVar aggregate classification (germline): Uncertain significance (1 of 4 stars; one submission).

Conditions:
Congenital muscular hypertrophy-cerebral syndrome (CDLS2). Also called: Cornelia de Lange syndrome 2; SMC1A-Related Cornelia de Lange Syndrome. Identifiers: Orphanet 199, MedGen C1802395, MONDO:0010370, OMIM 300590.

Allele frequency attached by ClinVar (database versions not stated): ExAC 0.00001; gnomAD exomes 0.00001.
gnomAD v4.1: 6 of 1,192,019 alleles (0.0005%); highest among the groups gnomAD compares: Non-Finnish European, 0.00068%; no homozygotes.

Submissions (2):

Labcorp Genetics (formerly Invitae), Labcorp
Classification: Uncertain significance for Congenital muscular hypertrophy-cerebral syndrome. Last evaluated: 2023-07-07. Review status: criteria provided, single submitter. Criteria: Invitae Variant Classification Sherloc (09022015). Collection method: clinical testing. Allele origin: germline.
Comment: Advanced modeling of protein sequence and biophysical properties (such as structural, functional, and spatial information, amino acid conservation, physicochemical variation, residue mobility, and thermodynamic stability) performed at Invitae indicates that this missense variant is expected to disrupt SMC1A protein function. In summary, the available evidence is currently insufficient to determine the role of this variant in disease. Therefore, it has been classified as a Variant of Uncertain Significance. ClinVar contains an entry for this variant (Variation ID: 1488263). This variant has not been reported in the literature in individuals affected with SMC1A-related conditions. The frequency data for this variant in the population databases is considered unreliable, as metrics indicate poor data quality at this position in the gnomAD database. This sequence change replaces arginine, which is basic and polar, with tryptophan, which is neutral and slightly polar, at codon 275 of the SMC1A protein (p.Arg275Trp).

Dr. Peter K. Rogan Lab, Western University
No classification provided (evidence only). Condition: Pancreatic adenocarcinoma. Review status: no classification provided. Collection method: in vitro. Allele origin: not applicable. Functional consequence: retained intron. Not counted in ClinVar's aggregate classification.